The following is an entry in ClinVar:

NM_001042681.2(RERE):c.3928C>G (p.Arg1310Gly)

Gene: RERE (arginine-glutamic acid dipeptide repeats; minus strand). Cytogenetic location: 1p36.23.
Variant type: single nucleotide variant.
Coding change: c.3928C>G on transcript NM_001042681.2 (MANE Select); coding-DNA position 3928, C replaced by G.
Protein change: p.Arg1310Gly; replaces arginine 1310 with glycine.
Molecular consequence: missense variant.
Genome position (GRCh38, 1-based): chr1:8,358,607, G>C on the plus strand (C>G on the coding strand, the complement: RERE is on the minus strand). VCF-style: chr1-8358607-G-C. GRCh37 (hg19) VCF-style: chr1-8418667-G-C.
Other names: c.2266C>G, p.Arg756Gly (NM_001042682.2); c.3928C>G, p.Arg1310Gly (NM_012102.4); short protein forms R1310G, R756G.
Identifiers: ClinVar variation 4075320 (VCV004075320.1).

ClinVar aggregate classification (germline): Likely pathogenic (1 of 4 stars; one submission).

Conditions:
Neurodevelopmental disorder with or without anomalies of the brain, eye, or heart (NEDBEH). Identifiers: Orphanet 494344, MedGen C5567477, MONDO:0014857, OMIM 616975.

gnomAD v4.1: 1 of 1,598,370 alleles (0.000063%); highest among the groups gnomAD compares: South Asian, 0.0011%; no homozygotes.

Submission:

Daryl Scott Lab, Baylor College of Medicine
Classification: Likely pathogenic for Neurodevelopmental disorder with or without anomalies of the brain, eye, or heart. Last evaluated: 2025-08-05. Review status: criteria provided, single submitter. Criteria: ACMG Guidelines, 2015. Collection method: clinical testing. Allele origin: de novo. Affected: yes. Observed: 1 heterozygote.
Comment: PS2, PM2, PP3